The following is an entry in ClinVar:

ClinVar aggregate classification (germline): Likely benign (1 of 4 stars; one submission).

Allele frequency attached by ClinVar (database versions not stated): 1000 Genomes Project 0.00040; 1000 Genomes Project 30x 0.00062; ESP Exome Variant Server 0.00062; gnomAD 0.00065.
gnomAD v4.1: 739 of 1,612,688 alleles (0.046%); highest among the groups gnomAD compares: South Asian, 0.15%; 1 homozygote.

Submission:

CeGaT Center for Human Genetics Tuebingen
Classification: Likely benign. Last evaluated: 2024-12-01. Review status: criteria provided, single submitter. Criteria: CeGaT Center For Human Genetics Tuebingen Variant Classification Criteria Version 2. Collection method: clinical testing. Allele origin: germline. Affected: yes. Observed: 3 variant alleles.
Comment: ZNF585A: BP4, BP7

NM_001288800.2(ZNF585A):c.2286C>T (p.Ser762=)

Gene: ZNF585A (zinc finger protein 585A; minus strand). Cytogenetic location: 19q13.12.
Variant type: single nucleotide variant.
Coding change: c.2286C>T on transcript NM_001288800.2 (MANE Select); coding-DNA position 2286, C replaced by T.
Protein change: p.Ser762=; no amino-acid change (serine 762 retained).
Molecular consequence: synonymous variant.
Genome position (GRCh38, 1-based): chr19:37,151,613, G>A on the plus strand (C>T on the coding strand, the complement: ZNF585A is on the minus strand). VCF-style: chr19-37151613-G-A. GRCh37 (hg19) VCF-style: chr19-37642515-G-A.
Other names: c.2121C>T, p.Ser707= (NM_152655.4, NM_199126.3).
Identifiers: ClinVar variation 2649768 (VCV002649768.24), dbSNP rs1610559, ClinGen allele CA9402827.
Genomic context (GRCh38, chr19:37,151,613, plus strand): 5'-CCCAACCCTCAGGGGGGTTTTCTCACACTGTTTCTCTCAAGCGTGGCTGCTCTGATGGAC[G>A]CTGAACACTGATTTCTGAACGAAGCCTTTCCCACAGATGCCACACTTGTAGGGTTTGTCT-3'
Protein context (NP_001275729.1, residues 752-769): GKGFVQKSVF[Ser762=]VHQSSHA